The following is an entry in ClinVar:

NM_001999.4(FBN2):c.1192A>G (p.Ile398Val)

Gene: FBN2 (fibrillin 2; minus strand). Cytogenetic location: 5q23.3.
Variant type: single nucleotide variant.
Coding change: c.1192A>G on transcript NM_001999.4 (MANE Select); coding-DNA position 1192, A replaced by G.
Protein change: p.Ile398Val; replaces isoleucine 398 with valine.
Molecular consequence: missense variant.
Genome position (GRCh38, 1-based): chr5:128,395,161, T>C on the plus strand (A>G on the coding strand, the complement: FBN2 is on the minus strand). VCF-style: chr5-128395161-T-C. GRCh37 (hg19) VCF-style: chr5-127730854-T-C.
Other names: short protein forms I398V.
Identifiers: ClinVar variation 3731621 (VCV003731621.1).
Genomic context (GRCh38, chr5:128,395,161, plus strand): 5'-GACTAACAGCCAGCCACGTACCAGAACCTCTGACAGGACAGGCTTCAGGAATGGTTCCGA[T>C]GCCCCAGCAGCGGCCAGGCTCACAGCAGCACTGCATTTTCGTCATTCTCCCCGGGAGCTC-3'
Protein context (NP_001990.2, residues 388-408): CCCEPGRCWG[Ile398Val]GTIPEACPVR

ClinVar aggregate classification (germline): Uncertain significance (1 of 4 stars; one submission).

Conditions:
Congenital contractural arachnodactyly (CCA). Also called: BEALS SYNDROME; Arthrogryposis, distal, type 9; Beals-Hecht syndrome. Identifiers: Orphanet 115, MedGen C0220668, MONDO:0007363, OMIM 121050.

gnomAD v4.1: 7 of 1,614,156 alleles (0.00043%); highest among the groups gnomAD compares: African/African-American, 0.0053%; no homozygotes.

Submission:

Clinical Genomics Laboratory, Stanford Medicine
Classification: Uncertain significance for Congenital contractural arachnodactyly. Last evaluated: 2022-08-17. Review status: criteria provided, single submitter. Criteria: ACMG Guidelines, 2015. Collection method: clinical testing. Allele origin: germline. Observed: 1 variant allele, 1 heterozygote.
Comment: The p.Ile398Val variant in the FBN2 gene has been previously reported in an individual undergoing surgical intervention for proximal aortic aneurysm (Salmasi et al., 2022). This variant has been identified in 2/24,964 African/ African American chromosomes (3/282,382 chromosomes overall) by the Genome Aggregation Database. The isoleucine at position 398 is not evolutionarily conserved and valine is observed at this position in several mammalian species. Computational tools predict that the p.Ile398Val variant is neither deleterious nor benign; however, the accuracy of in silico algorithms is limited. These data were assessed using the ACMG/AMP variant interpretation guidelines. In summary, the significance of the p.Ile398Val variant is uncertain. Additional information is needed to resolve the significance of this variant. [ACMG evidence codes used: PM2]

Literature cited by the submitters: PubMed 35830949.